The following is an entry in ClinVar:

NM_152703.5(SAMD9L):c.4294C>T (p.Leu1432Phe)

Gene: SAMD9L (sterile alpha motif domain containing 9 like; minus strand). Cytogenetic location: 7q21.2.
Variant type: single nucleotide variant.
Coding change: c.4294C>T on transcript NM_152703.5 (MANE Select); coding-DNA position 4294, C replaced by T.
Protein change: p.Leu1432Phe; replaces leucine 1432 with phenylalanine.
Molecular consequence: missense variant.
Genome position (GRCh38, 1-based): chr7:93,131,678, G>A on the plus strand (C>T on the coding strand, the complement: SAMD9L is on the minus strand). VCF-style: chr7-93131678-G-A. GRCh37 (hg19) VCF-style: chr7-92760991-G-A.
Other names: c.4294C>T, p.Leu1432Phe (NM_001303496.3, NM_001303497.3, NM_001303498.3 and 5 more transcripts); short protein forms L1432F.
Identifiers: ClinVar variation 5028882 (VCV005028882.1).
Genomic context (GRCh38, chr7:93,131,678, plus strand): 5'-CATACTTTTCTATTAGTTTGGAATCTTGATCTAGCTCTTGATTTTCTGGCCAGAACAGGA[G>A]GCAGGCCAAGAAATAAGGACCTGGATATTGATGACTTAGTCCTACAAATTGCAAGACCTC-3'
Protein context (NP_689916.2, residues 1422-1442): QYPGPYFLAC[Leu1432Phe]LFWPENQELD

ClinVar aggregate classification (germline): Uncertain significance (1 of 4 stars; one submission).

Conditions:
Inborn genetic diseases. Identifiers: MedGen C0950123, MeSH D030342.

gnomAD v4.1: 1 of 1,613,832 alleles (0.000062%); highest among the groups gnomAD compares: Non-Finnish European, 0.000085%; no homozygotes.

Submission:

Ambry Genetics
Classification: Uncertain significance for Inborn genetic diseases. Last evaluated: 2026-07-11. Review status: criteria provided, single submitter. Criteria: Ambry Variant Classification Scheme 2023. Collection method: clinical testing. Allele origin: germline.
Comment: The p.L1432F variant (also known as c.4294C>T), located in coding exon 1 of the SAMD9L gene, results from a C to T substitution at nucleotide position 4294. The leucine at codon 1432 is replaced by phenylalanine, an amino acid with highly similar properties. This amino acid position is conserved. In addition, the in silico prediction for this alteration is inconclusive. Based on the available evidence, the clinical significance of this variant remains unclear.